The following is an entry in ClinVar:

ClinVar aggregate classification (germline): Uncertain significance. Review status: criteria provided, multiple submitters, no conflicts (2 of 4 stars). 2 submissions from 2 submitters: Uncertain significance (2). Last evaluated 2026-01-02.

Conditions:
SLC44A4-related disorder. Also called: SLC44A4-related condition.

Allele frequency attached by ClinVar (database versions not stated): ExAC 0.00002; TOPMed 0.00002; gnomAD 0.00003; 1000 Genomes Project 0.00040; 1000 Genomes Project 30x 0.00047.
gnomAD v4.1: 28 of 1,613,972 alleles (0.0017%); highest among the groups gnomAD compares: Admixed American, 0.015%; no homozygotes.

Submissions (2):

PreventionGenetics, part of Exact Sciences
Classification: Uncertain significance for SLC44A4-related condition. Last evaluated: 2026-01-02. Review status: criteria provided, single submitter. Criteria: ACMG Guidelines, 2015. Collection method: clinical testing. Allele origin: germline.
Comment: The SLC44A4 c.1699G>A variant is predicted to result in the amino acid substitution p.Gly567Arg. To our knowledge, this variant has not been reported in the literature. This variant is reported in 0.0087% of alleles in individuals of Latino descent in gnomAD. At this time, the clinical significance of this variant is uncertain due to the absence of conclusive functional and genetic evidence.

Labcorp Genetics (formerly Invitae), Labcorp
Classification: Uncertain significance. Last evaluated: 2023-02-08. Review status: criteria provided, single submitter. Criteria: Invitae Variant Classification Sherloc (09022015). Collection method: clinical testing. Allele origin: germline.
Comment: This sequence change replaces glycine, which is neutral and non-polar, with arginine, which is basic and polar, at codon 567 of the SLC44A4 protein (p.Gly567Arg). In summary, the available evidence is currently insufficient to determine the role of this variant in disease. Therefore, it has been classified as a Variant of Uncertain Significance. Advanced modeling of protein sequence and biophysical properties (such as structural, functional, and spatial information, amino acid conservation, physicochemical variation, residue mobility, and thermodynamic stability) performed at Invitae indicates that this missense variant is expected to disrupt SLC44A4 protein function. This variant has not been reported in the literature in individuals affected with SLC44A4-related conditions. This variant is present in population databases (rs547352490, gnomAD 0.009%).

NM_025257.3(SLC44A4):c.1699G>A (p.Gly567Arg)

Gene: SLC44A4 (solute carrier family 44 member 4; minus strand). Cytogenetic location: 6p21.33.
Variant type: single nucleotide variant.
Coding change: c.1699G>A on transcript NM_025257.3 (MANE Select); coding-DNA position 1699, G replaced by A.
Protein change: p.Gly567Arg; replaces glycine 567 with arginine.
Molecular consequence: missense variant.
Genome position (GRCh38, 1-based): chr6:31,865,376, C>T on the plus strand (G>A on the coding strand, the complement: SLC44A4 is on the minus strand). VCF-style: chr6-31865376-C-T. GRCh37 (hg19) VCF-style: chr6-31833153-C-T.
Other names: c.1573G>A, p.Gly525Arg (NM_001178044.2); c.1471G>A, p.Gly491Arg (NM_001178045.2); c.1699G>A, p.Gly567Arg (NM_032794.1); c.1699G>A (NM_025257.2); short protein forms G491R, G525R, G567R.
Identifiers: ClinVar variation 2990562 (VCV002990562.4), dbSNP rs547352490, ClinGen allele CA3725313.